The following is an entry in ClinVar:

NM_015650.4(IFT54):c.769A>G (p.Lys257Glu)

Gene: IFT54 (intraflagellar transport 54; plus strand). Cytogenetic location: 2q37.3.
Variant type: single nucleotide variant.
Coding change: c.769A>G on transcript NM_015650.4 (MANE Select); coding-DNA position 769, A replaced by G.
Protein change: p.Lys257Glu; replaces lysine 257 with glutamic acid.
Molecular consequence: missense variant.
Genome position (GRCh38, 1-based): chr2:238,329,196, A>G. VCF-style: chr2-238329196-A-G. GRCh37 (hg19) VCF-style: chr2-239237837-A-G.
Other names: c.769A>G, p.Lys257Glu (NM_001139490.1); short protein forms K257E.
Identifiers: ClinVar variation 1934289 (VCV001934289.4), dbSNP rs755084625, ClinGen allele CA2198140.
Genomic context (GRCh38, chr2:238,329,196, plus strand): 5'-AGGGAGCGGGACAGAGACTCCGAGCGCAAGAAGGAGACAGAGAGAAAGAGTGAGGGGGGG[A>G]AAGAGAAGGAGAGACTGAGAGACAGGGACCGAGAGCGCGACCGGGACAAAGGGAAGGACA-3'
Protein context (NP_056465.2, residues 247-267): KETERKSEGG[Lys257Glu]EKERLRDRDR

ClinVar aggregate classification (germline): Uncertain significance. Review status: criteria provided, multiple submitters, no conflicts (2 of 4 stars). 3 submissions from 3 submitters: Uncertain significance (3). Last evaluated 2024-09-16.

Allele frequency attached by ClinVar (database versions not stated): TOPMed below 0.00001; ExAC 0.00002.

Submissions (3):

Greenwood Genetic Center Diagnostic Laboratories, Greenwood Genetic Center
Classification: Uncertain significance. Last evaluated: 2024-09-16. Review status: criteria provided, single submitter. Criteria: ACMG Guidelines, 2015. Collection method: clinical testing. Allele origin: germline. Affected: yes.
Comment: PM2, BP4

Labcorp Genetics (formerly Invitae), Labcorp
Classification: Uncertain significance. Last evaluated: 2022-06-17. Review status: criteria provided, single submitter. Criteria: Invitae Variant Classification Sherloc (09022015). Collection method: clinical testing. Allele origin: germline.
Comment: This sequence change replaces lysine, which is basic and polar, with glutamic acid, which is acidic and polar, at codon 257 of the TRAF3IP1 protein (p.Lys257Glu). The frequency data for this variant in the population databases is considered unreliable, as metrics indicate poor data quality at this position in the gnomAD database. This variant has not been reported in the literature in individuals affected with TRAF3IP1-related conditions. Algorithms developed to predict the effect of missense changes on protein structure and function are either unavailable or do not agree on the potential impact of this missense change (SIFT: "Tolerated"; PolyPhen-2: "Possibly Damaging"; Align-GVGD: "Class C0"). In summary, the available evidence is currently insufficient to determine the role of this variant in disease. Therefore, it has been classified as a Variant of Uncertain Significance.

Blueprint Genetics
Classification: Uncertain significance. Last evaluated: 2021-09-20. Review status: criteria provided, single submitter. Criteria: ACMG Guidelines, 2015. Collection method: clinical testing. Allele origin: germline.